The following is an entry in ClinVar:

NM_000135.4(FANCA):c.718C>T (p.Gln240Ter)

Gene: FANCA (FA complementation group A; minus strand). Cytogenetic location: 16q24.3.
Variant type: single nucleotide variant.
Coding change: c.718C>T on transcript NM_000135.4 (MANE Select); coding-DNA position 718, C replaced by T.
Protein change: p.Gln240Ter; replaces glutamine 240 with a stop codon.
Molecular consequence: nonsense.
Genome position (GRCh38, 1-based): chr16:89,803,333, G>A on the plus strand (C>T on the coding strand, the complement: FANCA is on the minus strand). VCF-style: chr16-89803333-G-A. GRCh37 (hg19) VCF-style: chr16-89869741-G-A.
Other names: c.718C>T (LRG_495t1); c.718C>T, p.Gln240Ter (NM_001018112.3, NM_001286167.3); c.622C>T, p.Gln208Ter (NM_001351830.2); short protein forms Q240*, Q208*.
Identifiers: ClinVar variation 551354 (VCV000551354.12), dbSNP rs1184639006, ClinGen allele CA397476449.
Genomic context (GRCh38, chr16:89,803,333, plus strand): 5'-CAGGCTCCACAGTTCTTCTCAGATCTGAGTTTTTCTGAAATCCCCTCAAAACAAACATTT[G>A]AACAAAATCTGAAAAACCATAAAACCAAAGTTATTTATGGACATCATGGTCTCCAAGCAA-3'

ClinVar aggregate classification (germline): Pathogenic. Review status: criteria provided, multiple submitters, no conflicts (2 of 4 stars). 6 submissions from 6 submitters: Pathogenic (4). 2 of the submissions do not count toward it. Last evaluated 2025-04-09.

Conditions:
Fanconi anemia (FA). Also called: Fanconi's anemia. Identifiers: Orphanet 84, MedGen C0015625, MeSH D005199, MONDO:0019391.
Fanconi anemia complementation group A (FANCA). Also called: Fanconi anemia, group A; FANCA-Related Fanconi Anemia. Identifiers: Orphanet 84, MedGen C3469521, MONDO:0009215, OMIM 227650.

Submissions (6):

Dasa
Classification: Pathogenic. Last evaluated: 2025-04-09. Review status: criteria provided, single submitter. Criteria: DASA Assertion Criteria. Collection method: clinical testing. Allele origin: germline.
Comment: NM_000135.4(FANCA):c.718C>T (p.Gln240*) introduces a premature termination codon predicted to result in loss of normal protein function. Loss-of-function is an established mechanism of disease for this gene. This variant has been observed in affected individuals with related phenotype in a genotype context consistent with recessive disease (PMID: 22778927). This variant has been reported in individuals with related phenotype (PMID: 22778927). The variant is present at low frequency in population datasets. Based on the available data, this variant is classified as pathogenic.

Baylor Genetics
Classification: Pathogenic for Fanconi anemia complementation group A. Last evaluated: 2023-08-09. Review status: criteria provided, single submitter. Criteria: ACMG Guidelines, 2015. Collection method: clinical testing. Allele origin: unknown.

Labcorp Genetics (formerly Invitae), Labcorp
Classification: Pathogenic for Fanconi anemia. Last evaluated: 2022-08-04. Review status: criteria provided, single submitter. Criteria: Invitae Variant Classification Sherloc (09022015). Collection method: clinical testing. Allele origin: germline.
Comment: This sequence change creates a premature translational stop signal (p.Gln240*) in the FANCA gene. It is expected to result in an absent or disrupted protein product. Loss-of-function variants in FANCA are known to be pathogenic (PMID: 19367192). This variant is not present in population databases (gnomAD no frequency). This premature translational stop signal has been observed in individual(s) with Fanconi anemia (PMID: 21273304). ClinVar contains an entry for this variant (Variation ID: 551354). Algorithms developed to predict the effect of sequence changes on RNA splicing suggest that this variant may disrupt the consensus splice site. For these reasons, this variant has been classified as Pathogenic.

Juno Genomics, Hangzhou Juno Genomics, Inc
Classification: Pathogenic for Fanconi anemia complementation group A. Review status: criteria provided, single submitter. Criteria: ACMG Guidelines, 2015. Collection method: clinical testing. Allele origin: germline.
Comment: Absent from controls (or at extremely low frequency if recessive) in Genome Aggregation Database.;Null variant in a gene where loss of function (LOF) is a known mechanism of disease.;For recessive disorders, detected in trans with a pathogenic variant.

Leiden Open Variation Database
Classification: Pathogenic for Fanconi anemia complementation group A. Last evaluated: 2020-02-28. Review status: no assertion criteria provided. Collection method: curation. Allele origin: germline. Affected: yes. Not counted in ClinVar's aggregate classification.
Comment: Curator: Arleen D. Auerbach. Submitters to LOVD: Arleen D. Auerbach, Daniela Pilonetto, Johan de Winter.

Counsyl
Classification: Pathogenic for Fanconi anemia complementation group A. Last evaluated: 2017-04-03. Review status: no assertion criteria provided. Collection method: clinical testing. Allele origin: unknown. Not counted in ClinVar's aggregate classification.

Literature cited by the submitters: PubMed 22778927 (cited by 3 submitters); PubMed 19367192 (cited by Labcorp Genetics (formerly Invitae), Labcorp); PubMed 21273304 (cited by Labcorp Genetics (formerly Invitae), Labcorp).